The following is an entry in ClinVar:

ClinVar aggregate classification (germline): Uncertain significance. Review status: criteria provided, multiple submitters, no conflicts (2 of 4 stars). 2 submissions from 2 submitters: Uncertain significance (2). Last evaluated 2025-02-13.

Conditions:
Primary ciliary dyskinesia. Also called: Ciliary dyskinesia. Identifiers: Orphanet 244, MedGen C0008780, MONDO:0016575, HP:0012265.

Allele frequency attached by ClinVar (database versions not stated): TOPMed 0.00008; gnomAD exomes 0.00001; gnomAD 0.00006.
gnomAD v4.1: 20 of 1,614,058 alleles (0.0012%); highest among the groups gnomAD compares: African/African-American, 0.024%; no homozygotes.

Submissions (2):

Ambry Genetics
Classification: Uncertain significance for Primary ciliary dyskinesia. Last evaluated: 2025-02-13. Review status: criteria provided, single submitter. Criteria: Ambry Variant Classification Scheme 2023. Collection method: clinical testing. Allele origin: germline.

Labcorp Genetics (formerly Invitae), Labcorp
Classification: Uncertain significance for Primary ciliary dyskinesia. Last evaluated: 2024-12-16. Review status: criteria provided, single submitter. Criteria: Invitae Variant Classification Sherloc (09022015). Collection method: clinical testing. Allele origin: germline.
Comment: This sequence change replaces aspartic acid, which is acidic and polar, with asparagine, which is neutral and polar, at codon 133 of the RSPH4A protein (p.Asp133Asn). This variant is present in population databases (no rsID available, gnomAD 0.01%). This variant has not been reported in the literature in individuals affected with RSPH4A-related conditions. ClinVar contains an entry for this variant (Variation ID: 847512). An algorithm developed to predict the effect of missense changes on protein structure and function (PolyPhen-2) suggests that this variant¬†is likely to be tolerated. In summary, the available evidence is currently insufficient to determine the role of this variant in disease. Therefore, it has been classified as a Variant of Uncertain Significance.

NM_001010892.3(RSPH4A):c.397G>A (p.Asp133Asn)

Gene: RSPH4A (radial spoke head component 4A; plus strand). Cytogenetic location: 6q22.1.
Variant type: single nucleotide variant.
Coding change: c.397G>A on transcript NM_001010892.3 (MANE Select); coding-DNA position 397, G replaced by A.
Protein change: p.Asp133Asn; replaces aspartic acid 133 with asparagine.
Molecular consequence: missense variant.
Genome position (GRCh38, 1-based): chr6:116,617,020, G>A. VCF-style: chr6-116617020-G-A. GRCh37 (hg19) VCF-style: chr6-116938183-G-A.
Other names: c.397G>A, p.Asp133Asn (NM_001161664.2); short protein forms D133N.
Identifiers: ClinVar variation 847512 (VCV000847512.17), dbSNP rs976414886, ClinGen allele CA145923816.